The following is an entry in ClinVar:

ClinVar aggregate classification (germline): Likely benign (1 of 4 stars; one submission).

Conditions:
LEPR-related disorder. Also called: LEPR-related condition; LEPR-related disorders.

Submission:

PreventionGenetics, part of Exact Sciences
Classification: Likely benign for LEPR-related condition. Last evaluated: 2026-04-09. Review status: criteria provided, single submitter. Criteria: ACMG Guidelines, 2015. Collection method: clinical testing. Allele origin: germline.
Comment: This variant is classified as likely benign based on ACMG/AMP sequence variant interpretation guidelines (Richards et al. 2015 PMID: 25741868, with internal and published modifications).

NM_002303.6(LEPR):c.1308T>C (p.Cys436=)

Gene: LEPR (leptin receptor; plus strand). Cytogenetic location: 1p31.3.
Variant type: single nucleotide variant.
Coding change: c.1308T>C on transcript NM_002303.6 (MANE Select); coding-DNA position 1308, T replaced by C.
Protein change: p.Cys436=; no amino-acid change (cysteine 436 retained).
Molecular consequence: synonymous variant.
Genome position (GRCh38, 1-based): chr1:65,601,865, T>C. VCF-style: chr1-65601865-T-C. GRCh37 (hg19) VCF-style: chr1-66067548-T-C.
Other names: c.1308T>C, p.Cys436= (NM_001003679.3, NM_001003680.3, NM_001198687.2 and 2 more transcripts).
Identifiers: ClinVar variation 4994277 (VCV004994277.1).
Genomic context (GRCh38, chr1:65,601,865, plus strand): 5'-TTTTGCTTTATATTAATATTTTAATATGTTTCAAATAGATGTCAATATCAATATCTCATG[T>C]GAAACTGATGGGTACTTAACTAAAATGACTTGCAGATGGTCAACCAGTACAATCCAGTCA-3'
Protein context (NP_002294.2, residues 426-446): YVIDVNINIS[Cys436=]ETDGYLTKMT